The following is an entry in ClinVar:

ClinVar aggregate classification (germline): Uncertain significance (1 of 4 stars; one submission).

Allele frequency attached by ClinVar (database versions not stated): gnomAD exomes below 0.00001; gnomAD 0.00001; TOPMed 0.00003.
gnomAD v4.1: 2 of 1,613,672 alleles (0.00012%); highest among the groups gnomAD compares: Admixed American, 0.0033%; no homozygotes.

Submission:

Labcorp Genetics (formerly Invitae), Labcorp
Classification: Uncertain significance. Last evaluated: 2023-04-14. Review status: criteria provided, single submitter. Criteria: Invitae Variant Classification Sherloc (09022015). Collection method: clinical testing. Allele origin: germline.
Comment: In summary, the available evidence is currently insufficient to determine the role of this variant in disease. Therefore, it has been classified as a Variant of Uncertain Significance. Advanced modeling of protein sequence and biophysical properties (such as structural, functional, and spatial information, amino acid conservation, physicochemical variation, residue mobility, and thermodynamic stability) performed at Invitae indicates that this missense variant is not expected to disrupt KRT14 protein function. ClinVar contains an entry for this variant (Variation ID: 1911761). This variant has not been reported in the literature in individuals affected with KRT14-related conditions. This variant is present in population databases (no rsID available, gnomAD 0.003%). This sequence change replaces lysine, which is basic and polar, with glutamine, which is neutral and polar, at codon 250 of the KRT14 protein (p.Lys250Gln).

NM_000526.5(KRT14):c.748A>C (p.Lys250Gln)

Gene: KRT14 (keratin 14; minus strand). Cytogenetic location: 17q21.2.
Variant type: single nucleotide variant.
Coding change: c.748A>C on transcript NM_000526.5 (MANE Select); coding-DNA position 748, A replaced by C.
Protein change: p.Lys250Gln; replaces lysine 250 with glutamine.
Molecular consequence: missense variant.
Genome position (GRCh38, 1-based): chr17:41,584,274, T>G on the plus strand (A>C on the coding strand, the complement: KRT14 is on the minus strand). VCF-style: chr17-41584274-T-G. GRCh37 (hg19) VCF-style: chr17-39740526-T-G.
Other names: short protein forms K250Q.
Identifiers: ClinVar variation 1911761 (VCV001911761.5), dbSNP rs1393388714, ClinGen allele CA399477847.